The following is an entry in ClinVar:

ClinVar aggregate classification (germline): Uncertain significance (1 of 4 stars; one submission).

Conditions:
Cardiovascular phenotype. Identifiers: MedGen CN230736.

Submission:

Ambry Genetics
Classification: Uncertain significance for Cardiovascular phenotype. Last evaluated: 2026-04-16. Review status: criteria provided, single submitter. Criteria: Ambry Variant Classification Scheme 2023. Collection method: clinical testing. Allele origin: germline.
Comment: The p.T945P variant (also known as c.2833A>C), located in coding exon 19 of the FLNC gene, results from an A to C substitution at nucleotide position 2833. The threonine at codon 945 is replaced by proline, an amino acid with highly similar properties. This amino acid position is conserved. In addition, this alteration is predicted to be deleterious by in silico analysis. Based on the available evidence, the clinical significance of this variant remains unclear.

NM_001458.5(FLNC):c.2833A>C (p.Thr945Pro)

Gene: FLNC (filamin C; plus strand). Cytogenetic location: 7q32.1.
Variant type: single nucleotide variant.
Coding change: c.2833A>C on transcript NM_001458.5 (MANE Select); coding-DNA position 2833, A replaced by C.
Protein change: p.Thr945Pro; replaces threonine 945 with proline.
Molecular consequence: missense variant.
Genome position (GRCh38, 1-based): chr7:128,843,817, A>C. VCF-style: chr7-128843817-A-C. GRCh37 (hg19) VCF-style: chr7-128483871-A-C.
Other names: c.2833A>C, p.Thr945Pro (NM_001127487.2); short protein forms T945P.
Identifiers: ClinVar variation 4871460 (VCV004871460.1).
Genomic context (GRCh38, chr7:128,843,817, plus strand): 5'-GCCTTATATCCAGTTCTGACCTACCATTGTACCCAACAGGGCAACATGGCAGTGACAGTG[A>C]CTTATGGCGGGGACCCTGTCCCCAAGAGCCCCTTTGTGGTGAATGTGGCACCCCCGCTGG-3'
Protein context (NP_001449.3, residues 935-955): VQQGNMAVTV[Thr945Pro]YGGDPVPKSP